The following is an entry in ClinVar:

ClinVar aggregate classification (germline): Uncertain significance (1 of 4 stars; one submission).

gnomAD v4.1: 5 of 1,610,984 alleles (0.00031%); highest among the groups gnomAD compares: Admixed American, 0.0033%; no homozygotes.

Submission:

GeneDx
Classification: Uncertain significance. Last evaluated: 2026-05-13. Review status: criteria provided, single submitter. Criteria: GeneDx Variant Classification Process June 2021. Collection method: clinical testing. Allele origin: germline.
Comment: Not observed at significant frequency in large population cohorts (gnomAD); In silico analysis suggests that this missense variant does not alter protein structure/function; Has not been previously published as pathogenic or benign to our knowledge

NM_000899.5(KITLG):c.566C>A (p.Ala189Glu)

Gene: KITLG (KIT ligand; minus strand). Cytogenetic location: 12q21.32.
Variant type: single nucleotide variant.
Coding change: c.566C>A on transcript NM_000899.5 (MANE Select); coding-DNA position 566, C replaced by A.
Protein change: p.Ala189Glu; replaces alanine 189 with glutamic acid.
Molecular consequence: missense variant. On other transcripts: intron variant (1).
Genome position (GRCh38, 1-based): chr12:88,515,572, G>T on the plus strand (C>A on the coding strand, the complement: KITLG is on the minus strand). VCF-style: chr12-88515572-G-T. GRCh37 (hg19) VCF-style: chr12-88909349-G-T.
Other names: c.520+762C>A (NM_003994.6); short protein forms A189E.
Identifiers: ClinVar variation 3368718 (VCV003368718.2).